The following is an entry in ClinVar:

ClinVar aggregate classification (germline): Likely pathogenic (1 of 4 stars; one submission).

Conditions:
Mucopolysaccharidosis, MPS-II (MPS2). Also called: Hunter Syndrome; IDURONATE 2-SULFATASE DEFICIENCY; Mucopolysaccharidosis Type II; Mucopolysaccharidosis type 2; Attenuated MPS (subtype; formerly known as mild MPS II); Severe MPS II. Identifiers: Orphanet 580, Orphanet 79388, MedGen C0026705, MONDO:0010674, OMIM 309900.

Submission:

Laboratory of Diagnosis and Therapy of Lysosomal Disorders, University of Padova
Classification: Likely pathogenic for Mucopolysaccharidosis, MPS-II. Last evaluated: 2024-06-07. Review status: criteria provided, single submitter. Criteria: ACMG Guidelines, 2015. Collection method: literature only. Allele origin: germline. Affected: yes. Observed: 1 variant allele.
Comment: De novo (PS2_Moderate), Absent from controls (or at low frequency) in gnomAD database (PM2_Moderate), Missense variant in a gene with a low rate of benign missense variation (PP2_Supporting), Multiple lines of computational evidence support a deleterious effect (PP3_Supporting), Patient’s phenotype or family history highly specific for the disease (PP4_Moderate)

Classification method: ACMG Guidelines [PMID:25741868] with modifications

Literature cited by the submitters: PubMed 21291454.

NM_000202.8(IDS):c.290C>G (p.Pro97Arg)

Gene: IDS (iduronate 2-sulfatase; minus strand). Cytogenetic location: Xq28.
Variant type: single nucleotide variant.
Coding change: c.290C>G on transcript NM_000202.8 (MANE Select); coding-DNA position 290, C replaced by G.
Protein change: p.Pro97Arg; replaces proline 97 with arginine.
Molecular consequence: missense variant. On other transcripts: non-coding transcript variant (1).
Genome position (GRCh38, 1-based): chrX:149,503,440, G>C on the plus strand (C>G on the coding strand, the complement: IDS is on the minus strand). VCF-style: chrX-149503440-G-C. GRCh37 (hg19) VCF-style: chrX-148584970-G-C.
Other names: c.20C>G, p.Pro7Arg (NM_001166550.4); c.290C>G, p.Pro97Arg (NM_006123.5); short protein forms P7R, P97R.
Identifiers: ClinVar variation 3255658 (VCV003255658.2).